The following is an entry in ClinVar:

NM_015466.4(PTPN23):c.4148C>T (p.Pro1383Leu)

Gene: PTPN23 (protein tyrosine phosphatase non-receptor type 23; plus strand). Cytogenetic location: 3p21.31.
Variant type: single nucleotide variant.
Coding change: c.4148C>T on transcript NM_015466.4 (MANE Select); coding-DNA position 4148, C replaced by T.
Protein change: p.Pro1383Leu; replaces proline 1383 with leucine.
Molecular consequence: missense variant.
Genome position (GRCh38, 1-based): chr3:47,412,168, C>T. VCF-style: chr3-47412168-C-T. GRCh37 (hg19) VCF-style: chr3-47453658-C-T.
Other names: c.3770C>T, p.Pro1257Leu (NM_001304482.2); short protein forms P1257L, P1383L.
Identifiers: ClinVar variation 1911086 (VCV001911086.26), dbSNP rs749536143, ClinGen allele CA2366477.
Genomic context (GRCh38, chr3:47,412,168, plus strand): 5'-GCCCCAGCAACTTGCTGCGCTTCATCCAGGAGGTGCACGCACATTACCTGCATCAGCGGC[C>T]GCTGCACACGCCCATCATTGTGCACTGCAGGTAGAGGGTGGGCCTGAGGGTCTCTCCTCT-3'
Protein context (NP_056281.1, residues 1373-1393): EVHAHYLHQR[Pro1383Leu]LHTPIIVHCS

ClinVar aggregate classification (germline): Uncertain significance. Review status: criteria provided, multiple submitters, no conflicts (2 of 4 stars). 2 submissions from 2 submitters: Uncertain significance (2). Last evaluated 2022-04-01.

Allele frequency attached by ClinVar (database versions not stated): TOPMed below 0.00001; ExAC 0.00001; gnomAD 0.00001; gnomAD exomes 0.00001.

Submissions (2):

CeGaT Center for Human Genetics Tuebingen
Classification: Uncertain significance. Last evaluated: 2022-04-01. Review status: criteria provided, single submitter. Criteria: CeGaT Center For Human Genetics Tuebingen Variant Classification Criteria Version 2. Collection method: clinical testing. Allele origin: germline. Affected: yes. Observed: 1 variant allele.
Comment: PTPN23: PM2

Labcorp Genetics (formerly Invitae), Labcorp
Classification: Uncertain significance. Last evaluated: 2022-02-11. Review status: criteria provided, single submitter. Criteria: Invitae Variant Classification Sherloc (09022015). Collection method: clinical testing. Allele origin: germline.
Comment: This sequence change replaces proline, which is neutral and non-polar, with leucine, which is neutral and non-polar, at codon 1383 of the PTPN23 protein (p.Pro1383Leu). This variant is present in population databases (rs749536143, gnomAD 0.006%). This variant has not been reported in the literature in individuals affected with PTPN23-related conditions. Algorithms developed to predict the effect of missense changes on protein structure and function are either unavailable or do not agree on the potential impact of this missense change (SIFT: "Tolerated"; PolyPhen-2: "Probably Damaging"; Align-GVGD: "Class C0"). In summary, the available evidence is currently insufficient to determine the role of this variant in disease. Therefore, it has been classified as a Variant of Uncertain Significance.